The following is an entry in ClinVar:

ClinVar aggregate classification (germline): Likely pathogenic. Review status: criteria provided, single submitter (1 of 4 stars). 2 submissions from 2 submitters: Likely pathogenic (1). 1 of the submissions does not count toward it. Last evaluated 2015-12-01.

Conditions:
Congenital myopathy 2b, severe infantile, autosomal recessive (CMYO2B). Identifiers: MedGen C5830300, MONDO:0859517, OMIM 620265.
Congenital muscular dystrophy with rigid spine.

Submissions (2):

Center for Genetic Medicine Research, Children's National Medical Center
Classification: Likely pathogenic for Congenital muscular dystrophy with rigid spine. Last evaluated: 2015-12-01. Review status: criteria provided, single submitter. Criteria: Punetha et al. (J Neuromuscul Dis. 2016). Collection method: research. Allele origin: inherited. Affected: yes.
Comment: Also reported in PMID 25182138

OMIM
Classification: Pathogenic for CONGENITAL MYOPATHY 2B, SEVERE INFANTILE, AUTOSOMAL RECESSIVE. Last evaluated: 2024-07-16. Review status: no assertion criteria provided. Collection method: literature only. Allele origin: germline. Not counted in ClinVar's aggregate classification.

Literature cited by the submitters: PubMed 25182138 (cited by OMIM).

NM_001100.4(ACTA1):c.460G>C (p.Val154Leu)

Gene: ACTA1 (actin alpha 1, skeletal muscle; minus strand). Cytogenetic location: 1q42.13.
Variant type: single nucleotide variant.
Coding change: c.460G>C on transcript NM_001100.4 (MANE Select); coding-DNA position 460, G replaced by C.
Protein change: p.Val154Leu; replaces valine 154 with leucine.
Molecular consequence: missense variant.
Genome position (GRCh38, 1-based): chr1:229,432,426, C>G on the plus strand (G>C on the coding strand, the complement: ACTA1 is on the minus strand). VCF-style: chr1-229432426-C-G. GRCh37 (hg19) VCF-style: chr1-229568173-C-G.
Other names: short protein forms V154L.
Identifiers: ClinVar variation 224666 (VCV000224666.4), dbSNP rs768144106, ClinGen allele CA10575964.